The following is an entry in ClinVar:

NM_001846.4(COL4A2):c.4270C>T (p.Pro1424Ser)

Genes: COL4A2 (collagen type IV alpha 2 chain; plus strand), COL4A2-AS1 (COL4A2 antisense RNA 1; minus strand). Cytogenetic location: 13q34.
Variant type: single nucleotide variant.
Coding change: c.4270C>T on transcript NM_001846.4 (MANE Select); coding-DNA position 4270, C replaced by T.
Protein change: p.Pro1424Ser; replaces proline 1424 with serine.
Molecular consequence: missense variant.
Genome position (GRCh38, 1-based): chr13:110,503,978, C>T. VCF-style: chr13-110503978-C-T. GRCh37 (hg19) VCF-style: chr13-111156325-C-T.
Other names: short protein forms P1424S.
Identifiers: ClinVar variation 3899069 (VCV003899069.2).
Genomic context (GRCh38, chr13:110,503,978, plus strand): 5'-GTGGGTCCCCAGGGGAGGCGAGGCCCCCCTGGGGCACCGGGGGAGATGGGGCCCCAGGGC[C>T]CCCCCGGAGAACCAGGTAGAGTGCTGAGCTGGGGCCTGGAGCCCCTCGGGGCTGCCCGGG-3'
Protein context (NP_001837.2, residues 1414-1434): GAPGEMGPQG[Pro1424Ser]PGEPGFRGAP

ClinVar aggregate classification (germline): Uncertain significance (1 of 4 stars; one submission).

Submission:

GeneDx
Classification: Uncertain significance. Last evaluated: 2025-09-11. Review status: criteria provided, single submitter. Criteria: GeneDx Variant Classification Process June 2021. Collection method: clinical testing. Allele origin: germline.
Comment: Not observed at significant frequency in large population cohorts (gnomAD); In silico analysis supports that this missense variant has a deleterious effect on protein structure/function; Has not been previously published as pathogenic or benign to our knowledge